The following is an entry in ClinVar:

NM_001375405.1(CEP120):c.896A>G (p.Asn299Ser)

Gene: CEP120 (centrosomal protein 120; minus strand). Cytogenetic location: 5q23.2.
Variant type: single nucleotide variant.
Coding change: c.896A>G on transcript NM_001375405.1 (MANE Select); coding-DNA position 896, A replaced by G.
Protein change: p.Asn299Ser; replaces asparagine 299 with serine.
Molecular consequence: missense variant. On other transcripts: non-coding transcript variant (1).
Genome position (GRCh38, 1-based): chr5:123,391,252, T>C on the plus strand (A>G on the coding strand, the complement: CEP120 is on the minus strand). VCF-style: chr5-123391252-T-C. GRCh37 (hg19) VCF-style: chr5-122726946-T-C.
Other names: c.818A>G, p.Asn273Ser (NM_001166226.2); c.896A>G, p.Asn299Ser (NM_001375406.1, NM_001375407.1, NM_153223.4); c.323A>G, p.Asn108Ser (NM_001375408.1, NM_001375409.1); c.896A>G (NM_153223.3); short protein forms N299S, N108S, N273S.
Identifiers: ClinVar variation 2163076 (VCV002163076.5), dbSNP rs1005621618, ClinGen allele CA125978285.

ClinVar aggregate classification (germline): Uncertain significance. Review status: criteria provided, multiple submitters, no conflicts (2 of 4 stars). 3 submissions from 3 submitters: Uncertain significance (3). Last evaluated 2024-10-07.

Conditions:
Short-rib thoracic dysplasia 13 with or without polydactyly (SRTD13). Identifiers: Orphanet 474, MedGen C4225378, MONDO:0014577, OMIM 616300.

gnomAD v4.1: 27 of 1,614,222 alleles (0.0017%); highest among the groups gnomAD compares: Admixed American, 0.0083%; no homozygotes.

Submissions (3):

Labcorp Genetics (formerly Invitae), Labcorp
Classification: Uncertain significance for Short-rib thoracic dysplasia 13 with or without polydactyly. Last evaluated: 2024-10-07. Review status: criteria provided, single submitter. Criteria: Invitae Variant Classification Sherloc (09022015). Collection method: clinical testing. Allele origin: germline.
Comment: This sequence change replaces asparagine, which is neutral and polar, with serine, which is neutral and polar, at codon 299 of the CEP120 protein (p.Asn299Ser). This variant is present in population databases (no rsID available, gnomAD 0.009%). This variant has not been reported in the literature in individuals affected with CEP120-related conditions. ClinVar contains an entry for this variant (Variation ID: 2163076). Invitae Evidence Modeling of protein sequence and biophysical properties (such as structural, functional, and spatial information, amino acid conservation, physicochemical variation, residue mobility, and thermodynamic stability) indicates that this missense variant is not expected to disrupt CEP120 protein function with a negative predictive value of 80%. In summary, the available evidence is currently insufficient to determine the role of this variant in disease. Therefore, it has been classified as a Variant of Uncertain Significance.

GeneDx
Classification: Uncertain significance. Last evaluated: 2023-04-10. Review status: criteria provided, single submitter. Criteria: GeneDx Variant Classification Process June 2021. Collection method: clinical testing. Allele origin: germline. Affected: yes.
Comment: Not observed at significant frequency in large population cohorts (gnomAD); In silico analysis supports that this missense variant does not alter protein structure/function; Has not been previously published as pathogenic or benign to our knowledge

Blueprint Genetics
Classification: Uncertain significance. Last evaluated: 2022-10-10. Review status: criteria provided, single submitter. Criteria: ACMG Guidelines, 2015. Collection method: clinical testing. Allele origin: germline.